The following is an entry in ClinVar:

ClinVar aggregate classification (germline): Uncertain significance (1 of 4 stars; one submission).

Allele frequency attached by ClinVar (database versions not stated): gnomAD 0.00001.
gnomAD v4.1: 3 of 1,612,306 alleles (0.00019%); highest among the groups gnomAD compares: Non-Finnish European, 0.00025%; no homozygotes.

Submission:

Labcorp Genetics (formerly Invitae), Labcorp
Classification: Uncertain significance. Last evaluated: 2025-10-27. Review status: criteria provided, single submitter. Criteria: Invitae Variant Classification Sherloc (09022015). Collection method: clinical testing. Allele origin: germline.
Comment: This sequence change replaces glycine, which is neutral and non-polar, with aspartic acid, which is acidic and polar, at codon 1492 of the MPDZ protein (p.Gly1492Asp). This variant is not present in population databases (gnomAD no frequency). This variant has not been reported in the literature in individuals affected with MPDZ-related conditions. ClinVar contains an entry for this variant (Variation ID: 1394456). An algorithm developed to predict the effect of missense changes on protein structure and function (PolyPhen-2) suggests that this variant is likely to be disruptive. In summary, the available evidence is currently insufficient to determine the role of this variant in disease. Therefore, it has been classified as a Variant of Uncertain Significance.

NM_001378778.1(MPDZ):c.4475G>A (p.Gly1492Asp)

Gene: MPDZ (multiple PDZ domain crumbs cell polarity complex component; minus strand). Cytogenetic location: 9p23.
Variant type: single nucleotide variant.
Coding change: c.4475G>A on transcript NM_001378778.1 (MANE Select); coding-DNA position 4475, G replaced by A.
Protein change: p.Gly1492Asp; replaces glycine 1492 with aspartic acid.
Molecular consequence: missense variant.
Genome position (GRCh38, 1-based): chr9:13,126,762, C>T on the plus strand (G>A on the coding strand, the complement: MPDZ is on the minus strand). VCF-style: chr9-13126762-C-T. GRCh37 (hg19) VCF-style: chr9-13126761-C-T.
Other names: c.4376G>A, p.Gly1459Asp (NM_001261406.2, NM_001261407.2, NM_001375416.1 and 3 more transcripts); c.4475G>A, p.Gly1492Asp (NM_001330637.2, NM_003829.5); c.4574G>A, p.Gly1525Asp (NM_001375413.1); c.4265G>A, p.Gly1422Asp (NM_001375420.1, NM_001375421.1, NM_001375422.1 and 4 more transcripts); c.4067G>A, p.Gly1356Asp (NM_001375427.1); short protein forms G1356D, G1459D, G1525D, G1492D, G1422D.
Identifiers: ClinVar variation 1394456 (VCV001394456.5), dbSNP rs868092432, ClinGen allele CA189284733.